The following is an entry in ClinVar:

NM_201253.3(CRB1):c.2036A>C (p.Gln679Pro)

Gene: CRB1 (crumbs cell polarity complex component 1; plus strand). Cytogenetic location: 1q31.3.
Variant type: single nucleotide variant.
Coding change: c.2036A>C on transcript NM_201253.3 (MANE Select); coding-DNA position 2036, A replaced by C.
Protein change: p.Gln679Pro; replaces glutamine 679 with proline.
Molecular consequence: missense variant. On other transcripts: non-coding transcript variant (2).
Genome position (GRCh38, 1-based): chr1:197,421,864, A>C. VCF-style: chr1-197421864-A-C. GRCh37 (hg19) VCF-style: chr1-197390994-A-C.
Other names: c.1700A>C, p.Gln567Pro (NM_001193640.2); c.1829A>C, p.Gln610Pro (NM_001257965.2); c.2036A>C, p.Gln679Pro (NM_001257966.2); short protein forms Q679P, Q610P, Q567P.
Identifiers: ClinVar variation 2948645 (VCV002948645.3), dbSNP rs2528114245, ClinGen allele CA344033663.

ClinVar aggregate classification (germline): Uncertain significance (1 of 4 stars; one submission).

Conditions:
Leber congenital amaurosis 8 (LCA8). Identifiers: Orphanet 65, MedGen C3151202, MONDO:0013453, OMIM 613835.
Retinitis pigmentosa 12 (RP12). Also called: RP WITH OR WITHOUT PRESERVED PARAARTERIOLE RETINAL PIGMENT EPITHELIUM; RETINITIS PIGMENTOSA WITH OR WITHOUT PARAARTERIOLAR PRESERVATION OF RETINAL PIGMENT EPITHELIUM; RP WITH OR WITHOUT PPRPE. Identifiers: Orphanet 791, MedGen C1838647, MONDO:0010818, OMIM 600105.

Submission:

Labcorp Genetics (formerly Invitae), Labcorp
Classification: Uncertain significance for Leber congenital amaurosis 8; Retinitis pigmentosa 12. Last evaluated: 2023-09-11. Review status: criteria provided, single submitter. Criteria: Invitae Variant Classification Sherloc (09022015). Collection method: clinical testing. Allele origin: germline.
Comment: This variant is not present in population databases (gnomAD no frequency). This sequence change replaces glutamine, which is neutral and polar, with proline, which is neutral and non-polar, at codon 679 of the CRB1 protein (p.Gln679Pro). This variant has not been reported in the literature in individuals affected with CRB1-related conditions. Advanced modeling of protein sequence and biophysical properties (such as structural, functional, and spatial information, amino acid conservation, physicochemical variation, residue mobility, and thermodynamic stability) performed at Invitae indicates that this missense variant is expected to disrupt CRB1 protein function. In summary, the available evidence is currently insufficient to determine the role of this variant in disease. Therefore, it has been classified as a Variant of Uncertain Significance.